The following is an entry in ClinVar:

ClinVar aggregate classification (germline): Uncertain significance. Review status: criteria provided, multiple submitters, no conflicts (2 of 4 stars). 3 submissions from 3 submitters: Uncertain significance (2). 1 of the submissions does not count toward it. Last evaluated 2021-08-26.

Conditions:
Fanconi anemia (FA). Also called: Fanconi's anemia. Identifiers: Orphanet 84, MedGen C0015625, MeSH D005199, MONDO:0019391.
Hereditary cancer-predisposing syndrome. Also called: Tumor predisposition; Hereditary Cancer Syndrome; Hereditary neoplastic syndrome; Neoplastic Syndromes, Hereditary. Identifiers: Orphanet 140162, MedGen C0027672, MeSH D009386, MONDO:0015356.

Allele frequency attached by ClinVar (database versions not stated): gnomAD exomes below 0.00001; gnomAD 0.00001; TOPMed 0.00001.
gnomAD v4.1: 3 of 1,612,708 alleles (0.00019%); highest among the groups gnomAD compares: Non-Finnish European, 0.00025%; no homozygotes.

Submissions (3):

Labcorp Genetics (formerly Invitae), Labcorp
Classification: Uncertain significance for Fanconi anemia. Last evaluated: 2021-08-26. Review status: criteria provided, single submitter. Criteria: Invitae Variant Classification Sherloc (09022015). Collection method: clinical testing. Allele origin: germline.
Comment: This sequence change replaces glutamine with arginine at codon 212 of the FANCC protein (p.Gln212Arg). The glutamine residue is moderately conserved and there is a small physicochemical difference between glutamine and arginine. This variant is not present in population databases (ExAC no frequency). This variant has not been reported in the literature in individuals affected with FANCC-related conditions. ClinVar contains an entry for this variant (Variation ID: 485550). Algorithms developed to predict the effect of missense changes on protein structure and function are either unavailable or do not agree on the potential impact of this missense change (SIFT: "Tolerated"; PolyPhen-2: "Possibly Damaging"; Align-GVGD: "Class C0"). In summary, the available evidence is currently insufficient to determine the role of this variant in disease. Therefore, it has been classified as a Variant of Uncertain Significance.

Ambry Genetics
Classification: Uncertain significance for Hereditary cancer-predisposing syndrome. Last evaluated: 2017-02-14. Review status: criteria provided, single submitter. Criteria: Ambry Variant Classification Scheme 2023. Collection method: clinical testing. Allele origin: germline.
Comment: The p.Q212R variant (also known as c.635A>G), located in coding exon 6 of the FANCC gene, results from an A to G substitution at nucleotide position 635. The glutamine at codon 212 is replaced by arginine, an amino acid with highly similar properties. This amino acid position is well conserved in available vertebrate species. In addition, this alteration is predicted to be tolerated by in silico analysis. Since supporting evidence is limited at this time, the clinical significance of this alteration remains unclear.

Natera, Inc.
Classification: Uncertain significance for Fanconi anemia. Last evaluated: 2021-03-29. Review status: no assertion criteria provided. Collection method: clinical testing. Allele origin: germline. Not counted in ClinVar's aggregate classification.

NM_000136.3(FANCC):c.635A>G (p.Gln212Arg)

Genes: AOPEP (aminopeptidase O (putative); plus strand), FANCC (FA complementation group C; minus strand). Cytogenetic location: 9q22.32.
Variant type: single nucleotide variant.
Coding change: c.635A>G on transcript NM_000136.3 (MANE Select); coding-DNA position 635, A replaced by G.
Protein change: p.Gln212Arg; replaces glutamine 212 with arginine.
Molecular consequence: missense variant.
Genome position (GRCh38, 1-based): chr9:95,149,974, T>C on the plus strand (A>G on the coding strand, the complement: FANCC is on the minus strand). VCF-style: chr9-95149974-T-C. GRCh37 (hg19) VCF-style: chr9-97912256-T-C.
Other names: c.635A>G, p.Gln212Arg (NM_001243743.2, NM_001243744.2); short protein forms Q212R.
Identifiers: ClinVar variation 485550 (VCV000485550.16), dbSNP rs1445499474, ClinGen allele CA374109623.